The following is an entry in ClinVar:

NM_198578.4(LRRK2):c.3499G>T (p.Ala1167Ser)

Gene: LRRK2 (leucine rich repeat kinase 2; plus strand). Cytogenetic location: 12q12.
Variant type: single nucleotide variant.
Coding change: c.3499G>T on transcript NM_198578.4 (MANE Select); coding-DNA position 3499, G replaced by T.
Protein change: p.Ala1167Ser; replaces alanine 1167 with serine.
Molecular consequence: missense variant.
Genome position (GRCh38, 1-based): chr12:40,302,791, G>T. VCF-style: chr12-40302791-G-T. GRCh37 (hg19) VCF-style: chr12-40696593-G-T.
Other names: short protein forms A1167S.
Identifiers: ClinVar variation 1732010 (VCV001732010.2), dbSNP rs1369585823, ClinGen allele CA384416300.
Genomic context (GRCh38, chr12:40,302,791, plus strand): 5'-ATTTAATGGAAATCTGGTTAAAATGATTAAAATGTTTATCTCATTTTTTTTCTTTTAGCT[G>T]CTATGCCTTTCTTGCCTCCTTCTATGACAATCCTAAAATTATCTCAGAACAAATTTTCCT-3'
Protein context (NP_940980.4, residues 1157-1177): SFSARMNFLA[Ala1167Ser]MPFLPPSMTI

ClinVar aggregate classification (germline): Uncertain significance (1 of 4 stars; one submission).

Conditions:
Inborn genetic diseases. Identifiers: MedGen C0950123, MeSH D030342.

Allele frequency attached by ClinVar (database versions not stated): gnomAD exomes below 0.00001.

Submission:

Ambry Genetics
Classification: Uncertain significance for Inborn genetic diseases. Last evaluated: 2021-08-07. Review status: criteria provided, single submitter. Criteria: Ambry Variant Classification Scheme 2023. Collection method: clinical testing. Allele origin: germline.
Comment: The p.A1167S variant (also known as c.3499G>T), located in coding exon 26 of the LRRK2 gene, results from a G to T substitution at nucleotide position 3499. The alanine at codon 1167 is replaced by serine, an amino acid with similar properties. This amino acid position is conserved. In addition, this alteration is predicted to be tolerated by in silico analysis. Since supporting evidence is limited at this time, the clinical significance of this alteration remains unclear.